The following is an entry in ClinVar:

ClinVar aggregate classification (germline): Uncertain significance (1 of 4 stars; one submission).

Conditions:
Long QT syndrome (LQTS). Identifiers: MedGen C0023976, MeSH D008133, MONDO:0002442. Disease mechanism: loss of function. Inheritance: Various modes of inheritance.

Submission:

Labcorp Genetics (formerly Invitae), Labcorp
Classification: Uncertain significance for Long QT syndrome. Last evaluated: 2021-03-25. Review status: criteria provided, single submitter. Criteria: Invitae Variant Classification Sherloc (09022015). Collection method: clinical testing. Allele origin: germline.
Comment: In summary, the available evidence is currently insufficient to determine the role of this variant in disease. Therefore, it has been classified as a Variant of Uncertain Significance. Algorithms developed to predict the effect of missense changes on protein structure and function are either unavailable or do not agree on the potential impact of this missense change (SIFT: "Tolerated"; PolyPhen-2: "Possibly Damaging"; Align-GVGD: "Class C0"). This variant has not been reported in the literature in individuals with ANK2-related conditions. This variant is not present in population databases (ExAC no frequency). This sequence change replaces threonine with proline at codon 460 of the ANK2 protein (p.Thr460Pro). The threonine residue is moderately conserved and there is a small physicochemical difference between threonine and proline.

NM_001148.6(ANK2):c.1378A>C (p.Thr460Pro)

Gene: ANK2 (ankyrin 2; plus strand). Cytogenetic location: 4q26.
Variant type: single nucleotide variant.
Coding change: c.1378A>C on transcript NM_001148.6 (MANE Select); coding-DNA position 1378, A replaced by C.
Protein change: p.Thr460Pro; replaces threonine 460 with proline.
Molecular consequence: missense variant. On other transcripts: intron variant (5).
Genome position (GRCh38, 1-based): chr4:113,258,403, A>C. VCF-style: chr4-113258403-A-C. GRCh37 (hg19) VCF-style: chr4-114179559-A-C.
Other names: c.1315A>C, p.Thr439Pro (NM_001354275.2, NM_001386161.1, NM_001386156.1 and 14 more transcripts); c.1291A>C, p.Thr431Pro (NM_001386162.1, NM_001354276.2, NM_001386153.1 and 13 more transcripts); c.1336A>C, p.Thr446Pro (NM_001386160.1, NM_001354261.2, NM_001386147.1); c.1429A>C, p.Thr477Pro (NM_001386174.1); c.1405A>C, p.Thr469Pro (NM_001386175.1); c.1366A>C, p.Thr456Pro (NM_001386186.2, NM_001386148.2); c.1378A>C, p.Thr460Pro (NM_001354225.2, NM_001354228.2, NM_001354232.2 and 8 more transcripts); c.1423A>C, p.Thr475Pro (NM_001354230.2, NM_001354231.2, NM_001354237.2 and 5 more transcripts); and 4 more; short protein forms T439P, T448P, T469P, T446P, T475P, T456P, T477P, T431P.
Identifiers: ClinVar variation 1495876 (VCV001495876.8), dbSNP rs368129159, ClinGen allele CA357928072.